The following is an entry in ClinVar:

NM_003190.5(TAPBP):c.1214T>A (p.Leu405His)

Gene: TAPBP (TAP binding protein; minus strand). Cytogenetic location: 6p21.32.
Variant type: single nucleotide variant.
Coding change: c.1214T>A on transcript NM_003190.5 (MANE Select); coding-DNA position 1214, T replaced by A.
Protein change: p.Leu405His; replaces leucine 405 with histidine.
Molecular consequence: missense variant.
Genome position (GRCh38, 1-based): chr6:33,304,214, A>T on the plus strand (T>A on the coding strand, the complement: TAPBP is on the minus strand). VCF-style: chr6-33304214-A-T. GRCh37 (hg19) VCF-style: chr6-33271991-A-T.
Other names: c.1214T>A, p.Leu405His (NM_172208.3); c.953T>A, p.Leu318His (NM_172209.3); short protein forms L405H, L318H.
Identifiers: ClinVar variation 843381 (VCV000843381.10), dbSNP rs1768785371, ClinGen allele CA363687360.

ClinVar aggregate classification (germline): Uncertain significance (1 of 4 stars; one submission).

Conditions:
MHC class I deficiency. Identifiers: Orphanet 34592, MedGen C6024714, MONDO:0011476.

Allele frequency attached by ClinVar (database versions not stated): TOPMed 0.00001.

Submission:

Labcorp Genetics (formerly Invitae), Labcorp
Classification: Uncertain significance for MHC class I deficiency 1. Last evaluated: 2025-11-03. Review status: criteria provided, single submitter. Criteria: Invitae Variant Classification Sherloc (09022015). Collection method: clinical testing. Allele origin: germline.
Comment: This sequence change replaces leucine, which is neutral and non-polar, with histidine, which is basic and polar, at codon 405 of the TAPBP protein (p.Leu405His). This variant is not present in population databases (gnomAD no frequency). This variant has not been reported in the literature in individuals affected with TAPBP-related conditions. ClinVar contains an entry for this variant (Variation ID: 843381). An algorithm developed to predict the effect of missense changes on protein structure and function (PolyPhen-2) suggests that this variant is likely to be disruptive. In summary, the available evidence is currently insufficient to determine the role of this variant in disease. Therefore, it has been classified as a Variant of Uncertain Significance.